The following is an entry in ClinVar:

ClinVar aggregate classification (germline): Likely benign. Review status: criteria provided, single submitter (1 of 4 stars). 2 submissions from 2 submitters: Likely benign (1). 1 of the submissions does not count toward it. Last evaluated 2024-04-22.

Conditions:
EP300-related disorder. Also called: EP300-related disorders; EP300-related condition.
Rubinstein-Taybi syndrome due to EP300 haploinsufficiency. Also called: EP300-Related Rubinstein-Taybi Syndrome; RUBINSTEIN-TAYBI SYNDROME 2. Identifiers: Orphanet 353284, Orphanet 783, MedGen C3150941, MONDO:0013364, OMIM 613684.

Allele frequency attached by ClinVar (database versions not stated): gnomAD 0.00005.
gnomAD v4.1: 22 of 1,614,102 alleles (0.0014%); highest among the groups gnomAD compares: African/African-American, 0.021%; no homozygotes.

Submissions (2):

Labcorp Genetics (formerly Invitae), Labcorp
Classification: Likely benign for Rubinstein-Taybi syndrome due to EP300 haploinsufficiency. Last evaluated: 2024-04-22. Review status: criteria provided, single submitter. Criteria: Invitae Variant Classification Sherloc (09022015). Collection method: clinical testing. Allele origin: germline.

PreventionGenetics, part of Exact Sciences
Classification: Likely benign for EP300-related condition. Last evaluated: 2024-03-04. Review status: no assertion criteria provided. Collection method: clinical testing. Allele origin: germline. Not counted in ClinVar's aggregate classification.
Comment: This variant is classified as likely benign based on ACMG/AMP sequence variant interpretation guidelines (Richards et al. 2015 PMID: 25741868, with internal and published modifications).

NM_001429.4(EP300):c.4887G>A (p.Ala1629=)

Gene: EP300 (EP300 lysine acetyltransferase; plus strand). Cytogenetic location: 22q13.2.
Variant type: single nucleotide variant.
Coding change: c.4887G>A on transcript NM_001429.4 (MANE Select); coding-DNA position 4887, G replaced by A.
Protein change: p.Ala1629=; no amino-acid change (alanine 1629 retained).
Molecular consequence: synonymous variant.
Genome position (GRCh38, 1-based): chr22:41,176,354, G>A. VCF-style: chr22-41176354-G-A. GRCh37 (hg19) VCF-style: chr22-41572358-G-A.
Other names: c.4809G>A, p.Ala1603= (NM_001362843.2); c.4887G>A (NM_001429.3).
Identifiers: ClinVar variation 2739375 (VCV002739375.4), dbSNP rs747009952, ClinGen allele CA10253546.
Genomic context (GRCh38, chr22:41,176,354, plus strand): 5'-GCCTCCCATTGTTGATCCTGATCCTCTCATCCCCTGCGATCTGATGGATGGTCGGGATGC[G>A]TTTCTCACGCTGGCAAGGGACAAGCACCTGGAGTTCTCTTCACTCCGAAGAGCCCAGTGG-3'
Protein context (NP_001420.2, residues 1619-1639): IPCDLMDGRD[Ala1629=]FLTLARDKHL